The following is an entry in ClinVar:

NM_005228.5(EGFR):c.1177G>C (p.Asp393His)

Genes: EGFR (epidermal growth factor receptor; plus strand), LOC126860048 (P300/CBP strongly-dependent group 1 enhancer GRCh37_chr7:55223847-55225046; plus strand). Cytogenetic location: 7p11.2.
Variant type: single nucleotide variant.
Coding change: c.1177G>C on transcript NM_005228.5 (MANE Select); coding-DNA position 1177, G replaced by C.
Protein change: p.Asp393His; replaces aspartic acid 393 with histidine.
Molecular consequence: missense variant.
Genome position (GRCh38, 1-based): chr7:55,156,802, G>C. VCF-style: chr7-55156802-G-C. GRCh37 (hg19) VCF-style: chr7-55224495-G-C.
Other names: c.1042G>C, p.Asp348His (NM_001346897.2, NM_001346899.2); c.1177G>C, p.Asp393His (NM_001346898.2, NM_201282.2, NM_201283.2 and 1 more transcripts); c.1018G>C, p.Asp340His (NM_001346900.2); c.376G>C, p.Asp126His (NM_001346941.2); short protein forms D393H, D126H, D340H, D348H.
Identifiers: ClinVar variation 134018 (VCV000134018.9), dbSNP rs587778246, ClinGen allele CA158432.
Genomic context (GRCh38, chr7:55,156,802, plus strand): 5'-CCTGTTGTTTGTTTCAGTGACTCCTTCACACATACTCCTCCTCTGGATCCACAGGAACTG[G>C]ATATTCTGAAAACCGTAAAGGAAATCACAGGTTTGAGCTGAATTATCACATGAATATAAA-3'
Protein context (NP_005219.2, residues 383-403): HTPPLDPQEL[Asp393His]ILKTVKEITG

ClinVar aggregate classification (germline): Uncertain significance. Review status: criteria provided, multiple submitters, no conflicts (2 of 4 stars). 4 submissions from 4 submitters: Uncertain significance (3). 1 of the submissions does not count toward it. Last evaluated 2025-08-04.

Conditions:
Hereditary cancer-predisposing syndrome. Also called: Tumor predisposition; Hereditary neoplastic syndrome; Neoplastic Syndromes, Hereditary; Hereditary Cancer Syndrome. Identifiers: Orphanet 140162, MedGen C0027672, MeSH D009386, MONDO:0015356.
EGFR-related lung cancer (EGFR). Identifiers: MedGen CN130014.

Allele frequency attached by ClinVar (database versions not stated): TOPMed below 0.00001; gnomAD exomes 0.00001.
gnomAD v4.1: 3 of 1,614,210 alleles (0.00019%); highest among the groups gnomAD compares: Admixed American, 0.005%; no homozygotes.

Submissions (4):

Ambry Genetics
Classification: Uncertain significance for Hereditary cancer-predisposing syndrome. Last evaluated: 2025-08-04. Review status: criteria provided, single submitter. Criteria: Ambry Variant Classification Scheme 2023. Collection method: clinical testing. Allele origin: germline.
Comment: The p.D393H variant (also known as c.1177G>C), located in coding exon 10 of the EGFR gene, results from a G to C substitution at nucleotide position 1177. The aspartic acid at codon 393 is replaced by histidine, an amino acid with similar properties. This amino acid position is conserved. In addition, the in silico prediction for this alteration is inconclusive. Based on the available evidence, the clinical significance of this variant remains unclear.

Labcorp Genetics (formerly Invitae), Labcorp
Classification: Uncertain significance for EGFR-related lung cancer. Last evaluated: 2025-05-21. Review status: criteria provided, single submitter. Criteria: Invitae Variant Classification Sherloc (09022015). Collection method: clinical testing. Allele origin: germline.
Comment: This sequence change replaces aspartic acid, which is acidic and polar, with histidine, which is basic and polar, at codon 393 of the EGFR protein (p.Asp393His). This variant is present in population databases (rs587778246, gnomAD 0.006%). This variant has not been reported in the literature in individuals affected with EGFR-related conditions. ClinVar contains an entry for this variant (Variation ID: 134018). Invitae Evidence Modeling of protein sequence and biophysical properties (such as structural, functional, and spatial information, amino acid conservation, physicochemical variation, residue mobility, and thermodynamic stability) indicates that this missense variant is not expected to disrupt EGFR protein function with a negative predictive value of 80%. In summary, the available evidence is currently insufficient to determine the role of this variant in disease. Therefore, it has been classified as a Variant of Uncertain Significance.

Sema4
Classification: Uncertain significance for Hereditary cancer-predisposing syndrome. Last evaluated: 2021-12-16. Review status: criteria provided, single submitter. Criteria: Sema4 Curation Guidelines. Collection method: curation. Allele origin: germline.
Comment: The EGFR c.1177G>C (p.D393H) variant has not been reported in the literature to our knowledge. It was observed in 2/34586 chromosomes of the Latino/Admixed American subpopulation in the large and broad cohorts of the Genome Aggregation Database (PMID: 32461654). The variant has been reported in ClinVar (Variation ID 134018). Functional studies have not been performed, and in silico predictions of the variant's effect on protein function are inconclusive. The evidence is insufficient to meet ACMG/AMP criteria for classifying the variant as benign or pathogenic. Thus, the clinical significance of this variant is currently uncertain. .

ITMI
No classification provided. Condition: AllHighlyPenetrant. Last evaluated: 2013-09-19. Review status: no classification provided. Collection method: reference population. Allele origin: germline. Not counted in ClinVar's aggregate classification.
Comment: Please see associated publication for description of ethnicities

Literature cited by the submitters: PubMed 24728327 (cited by ITMI).